The following is an entry in ClinVar:

ClinVar aggregate classification (germline): Uncertain significance (1 of 4 stars; one submission).

Allele frequency attached by ClinVar (database versions not stated): gnomAD 0.00001 and 0.00003; ExAC 0.00002; gnomAD exomes 0.00002 and 0.00003; TOPMed 0.00002.
gnomAD v4.1: 49 of 1,613,790 alleles (0.003%); highest among the groups gnomAD compares: South Asian, 0.013%; 1 homozygote.

Submission:

Labcorp Genetics (formerly Invitae), Labcorp
Classification: Uncertain significance. Last evaluated: 2021-11-12. Review status: criteria provided, single submitter. Criteria: Invitae Variant Classification Sherloc (09022015). Collection method: clinical testing. Allele origin: germline.
Comment: This sequence change replaces proline, which is neutral and non-polar, with leucine, which is neutral and non-polar, at codon 233 of the C6 protein (p.Pro233Leu). In summary, the available evidence is currently insufficient to determine the role of this variant in disease. Therefore, it has been classified as a Variant of Uncertain Significance. Algorithms developed to predict the effect of missense changes on protein structure and function are either unavailable or do not agree on the potential impact of this missense change (SIFT: "Deleterious"; PolyPhen-2: "Possibly Damaging"; Align-GVGD: "Class C0"). This variant has not been reported in the literature in individuals affected with C6-related conditions. This variant is present in population databases (rs776129858, gnomAD 0.01%).

NM_000065.5(C6):c.698C>T (p.Pro233Leu)

Gene: C6 (complement C6; minus strand). Cytogenetic location: 5p13.1.
Variant type: single nucleotide variant.
Coding change: c.698C>T on transcript NM_000065.5 (MANE Select); coding-DNA position 698, C replaced by T.
Protein change: p.Pro233Leu; replaces proline 233 with leucine.
Molecular consequence: missense variant.
Genome position (GRCh38, 1-based): chr5:41,186,098, G>A on the plus strand (C>T on the coding strand, the complement: C6 is on the minus strand). VCF-style: chr5-41186098-G-A. GRCh37 (hg19) VCF-style: chr5-41186200-G-A.
Other names: c.698C>T, p.Pro233Leu (NM_001115131.4); short protein forms P233L.
Identifiers: ClinVar variation 1401153 (VCV001401153.4), dbSNP rs776129858, ClinGen allele CA3252698.